The following is an entry in ClinVar:

ClinVar aggregate classification (germline): Uncertain significance (1 of 4 stars; one submission).

Conditions:
Cardiovascular phenotype. Identifiers: MedGen CN230736.

Submission:

Ambry Genetics
Classification: Uncertain significance for Cardiovascular phenotype. Last evaluated: 2023-10-20. Review status: criteria provided, single submitter. Criteria: Ambry Variant Classification Scheme 2023. Collection method: clinical testing. Allele origin: germline.
Comment: The p.K3829R variant (also known as c.11486A>G), located in coding exon 16 of the ALMS1 gene, results from an A to G substitution at nucleotide position 11486. The lysine at codon 3829 is replaced by arginine, an amino acid with highly similar properties. This amino acid position is not well conserved in available vertebrate species. In addition, this alteration is predicted to be tolerated by in silico analysis. Since supporting evidence is limited at this time, the clinical significance of this alteration remains unclear.

NM_001378454.1(ALMS1):c.11483A>G (p.Lys3828Arg)

Gene: ALMS1 (ALMS1 centrosome and basal body associated protein; plus strand). Cytogenetic location: 2p13.1.
Variant type: single nucleotide variant.
Coding change: c.11483A>G on transcript NM_001378454.1 (MANE Select); coding-DNA position 11483, A replaced by G.
Protein change: p.Lys3828Arg; replaces lysine 3828 with arginine.
Molecular consequence: missense variant.
Genome position (GRCh38, 1-based): chr2:73,573,360, A>G. VCF-style: chr2-73573360-A-G. GRCh37 (hg19) VCF-style: chr2-73800487-A-G.
Other names: c.11486A>G, p.Lys3829Arg (NM_015120.4); short protein forms K3828R, K3829R.
Identifiers: ClinVar variation 3226575 (VCV003226575.1), dbSNP rs2466447981, ClinGen allele CA347290319.